The following is an entry in ClinVar:

NM_002691.4(POLD1):c.1002C>T (p.Val334=)

Gene: POLD1 (DNA polymerase delta 1, catalytic subunit; plus strand). Cytogenetic location: 19q13.33.
Variant type: single nucleotide variant.
Coding change: c.1002C>T on transcript NM_002691.4 (MANE Select); coding-DNA position 1002, C replaced by T.
Protein change: p.Val334=; no amino-acid change (valine 334 retained).
Molecular consequence: synonymous variant. On other transcripts: non-coding transcript variant (1).
Genome position (GRCh38, 1-based): chr19:50,403,084, C>T. VCF-style: chr19-50403084-C-T. GRCh37 (hg19) VCF-style: chr19-50906341-C-T.
Other names: c.1002C>T, p.Val334= (NM_001256849.1, NM_001308632.1).
Identifiers: ClinVar variation 3421993 (VCV003421993.2).

ClinVar aggregate classification (germline): Benign/Likely benign. Review status: criteria provided, multiple submitters, no conflicts (2 of 4 stars). 2 submissions from 2 submitters: Benign (1); Likely benign (1). Last evaluated 2025-02-05.

Conditions:
POLD1-related polyposis and colorectal cancer syndrome (CRCS10). Also called: Colorectal cancer 10; COLORECTAL CANCER, SUSCEPTIBILITY TO, ON CHROMOSOME 19q; Colorectal cancer, susceptibility to, 10. Identifiers: Orphanet 220460, MedGen C2675481, MONDO:0012953, OMIM 612591.
Hereditary cancer-predisposing syndrome. Also called: Neoplastic Syndromes, Hereditary; Tumor predisposition; Hereditary Cancer Syndrome; Hereditary neoplastic syndrome. Identifiers: Orphanet 140162, MedGen C0027672, MeSH D009386, MONDO:0015356.

Submissions (2):

Myriad Genetics, Inc.
Classification: Benign for POLD1-related polyposis and colorectal cancer syndrome. Last evaluated: 2025-02-05. Review status: criteria provided, single submitter. Criteria: Myriad Autosomal Dominant, Autosomal Recessive and X-Linked Classification Criteria (2023). Collection method: clinical testing. Allele origin: unknown.
Comment: This variant is considered benign. This variant is a silent/synonymous amino acid change and it is not expected to impact splicing.

Ambry Genetics
Classification: Likely benign for Hereditary cancer-predisposing syndrome. Last evaluated: 2024-09-30. Review status: criteria provided, single submitter. Criteria: Ambry Variant Classification Scheme 2023. Collection method: clinical testing. Allele origin: germline.